The following is an entry in ClinVar:

NM_024652.6(LRRK1):c.842C>T (p.Thr281Met)

Gene: LRRK1 (leucine rich repeat kinase 1; plus strand). Cytogenetic location: 15q26.3.
Variant type: single nucleotide variant.
Coding change: c.842C>T on transcript NM_024652.6 (MANE Select); coding-DNA position 842, C replaced by T.
Protein change: p.Thr281Met; replaces threonine 281 with methionine.
Molecular consequence: missense variant.
Genome position (GRCh38, 1-based): chr15:101,008,916, C>T. VCF-style: chr15-101008916-C-T. GRCh37 (hg19) VCF-style: chr15-101549121-C-T.
Other names: c.842C>T (NM_024652.3); short protein forms T281M.
Identifiers: ClinVar variation 2155792 (VCV002155792.3), dbSNP rs1333528063, ClinGen allele CA393955064.

ClinVar aggregate classification (germline): Uncertain significance. Review status: criteria provided, multiple submitters, no conflicts (2 of 4 stars). 2 submissions from 2 submitters: Uncertain significance (2). Last evaluated 2024-01-29.

Conditions:
Inborn genetic diseases. Identifiers: MedGen C0950123, MeSH D030342.

Allele frequency attached by ClinVar (database versions not stated): gnomAD exomes below 0.00001; TOPMed 0.00001.
gnomAD v4.1: 8 of 1,614,178 alleles (0.0005%); highest among the groups gnomAD compares: East Asian, 0.013%; no homozygotes.

Submissions (2):

Ambry Genetics
Classification: Uncertain significance for Inborn genetic diseases. Last evaluated: 2024-01-29. Review status: criteria provided, single submitter. Criteria: Ambry Variant Classification Scheme 2023. Collection method: clinical testing. Allele origin: germline.

Labcorp Genetics (formerly Invitae), Labcorp
Classification: Uncertain significance. Last evaluated: 2022-04-24. Review status: criteria provided, single submitter. Criteria: Invitae Variant Classification Sherloc (09022015). Collection method: clinical testing. Allele origin: germline.
Comment: In summary, the available evidence is currently insufficient to determine the role of this variant in disease. Therefore, it has been classified as a Variant of Uncertain Significance. Algorithms developed to predict the effect of missense changes on protein structure and function are either unavailable or do not agree on the potential impact of this missense change (SIFT: "Deleterious"; PolyPhen-2: "Probably Damaging"; Align-GVGD: "Class C0"). This variant has not been reported in the literature in individuals affected with LRRK1-related conditions. This variant is present in population databases (no rsID available, gnomAD 0.03%). This sequence change replaces threonine, which is neutral and polar, with methionine, which is neutral and non-polar, at codon 281 of the LRRK1 protein (p.Thr281Met).